The following is an entry in ClinVar:

NM_032492.4(JAGN1):c.487T>G (p.Leu163Val)

Gene: JAGN1 (jagunal vesicle mediated transporter 1; plus strand). Cytogenetic location: 3p25.3.
Variant type: single nucleotide variant.
Coding change: c.487T>G on transcript NM_032492.4 (MANE Select); coding-DNA position 487, T replaced by G.
Protein change: p.Leu163Val; replaces leucine 163 with valine.
Molecular consequence: missense variant.
Genome position (GRCh38, 1-based): chr3:9,893,312, T>G. VCF-style: chr3-9893312-T-G. GRCh37 (hg19) VCF-style: chr3-9934996-T-G.
Other names: c.325T>G, p.Leu109Val (NM_001363890.1); short protein forms L109V, L163V.
Identifiers: ClinVar variation 4056966 (VCV004056966.1).

ClinVar aggregate classification (germline): Uncertain significance (1 of 4 stars; one submission).

gnomAD v4.1: 1 of 1,614,088 alleles (0.000062%); highest among the groups gnomAD compares: African/African-American, 0.0013%; no homozygotes.

Submission:

GeneDx
Classification: Uncertain significance. Last evaluated: 2025-01-07. Review status: criteria provided, single submitter. Criteria: GeneDx Variant Classification Process June 2021. Collection method: clinical testing. Allele origin: germline. Affected: yes.
Comment: Not observed at significant frequency in large population cohorts (gnomAD); In silico analysis indicates that this missense variant does not alter protein structure/function; Has not been previously published as pathogenic or benign to our knowledge